The following is an entry in ClinVar:

ClinVar aggregate classification (germline): Pathogenic/Likely pathogenic. Review status: criteria provided, multiple submitters, no conflicts (2 of 4 stars). 16 submissions from 16 submitters: Pathogenic (14); Likely pathogenic (2). Last evaluated 2026-08-01.

Conditions:
PKP2-related disorder. Also called: PKP2-related condition.
Cardiovascular phenotype. Identifiers: MedGen CN230736.
Ventricular tachycardia. Identifiers: MedGen C0042514, MONDO:0005477, HP:0004756.
Familial isolated arrhythmogenic right ventricular dysplasia. Identifiers: Orphanet 217656, MedGen C4274968, MONDO:0016342.
Cardiomyopathy (CMYO). Also called: Cardiomyopathies. Identifiers: Orphanet 167848, MedGen C0878544, MONDO:0004994, HP:0001638. Inheritance: Various modes of inheritance.
Arrhythmogenic right ventricular cardiomyopathy (ARVD). Also called: Arrhythmogenic cardiomyopathy; Arrhythmogenic Right Ventricular Cardiomyopathy (ARVC); Cardiomyopathy, ARVC; Arrhythmogenic right ventricular dysplasia. Identifiers: Orphanet 247, MedGen C0349788, MeSH D019571, MONDO:0016587. Disease mechanism: loss of function. Inheritance: Various modes of inheritance.
Arrhythmogenic right ventricular dysplasia 9 (ARVD9). Also called: ARRHYTHMOGENIC RIGHT VENTRICULAR DYSPLASIA, FAMILIAL, 9; Arrhythmogenic Right Ventricular Dysplasia/Cardiomyopathy 9. Identifiers: MedGen C1836906, MONDO:0012180, OMIM 609040.

Submissions 1 to 8 of 16:

CeGaT Center for Human Genetics Tuebingen
Classification: Pathogenic. Last evaluated: 2026-08-01. Review status: criteria provided, single submitter. Criteria: CeGaT Center For Human Genetics Tuebingen Variant Classification Criteria Version 2. Collection method: clinical testing. Allele origin: germline. Affected: yes. Observed: 1 variant allele.
Comment: PKP2: PP1:Strong, PS4, PM2, PVS1:Moderate

GeneDx
Classification: Pathogenic. Last evaluated: 2026-07-31. Review status: criteria provided, single submitter. Criteria: GeneDx Variant Classification Process June 2021. Collection method: clinical testing. Allele origin: germline.
Comment: Reported in multiple unrelated probands or families with ARVC (PMID: 15489853, 17010805, 16893920, 19880068, 20857253, 21606396, 19863551, 23871674, 23812740, 24585727, 27532257, 29997227, 29606362, 30790397, 30764827); Frameshift variant predicted to result in protein truncation, as the last 45 amino acids are replaced with 93 different amino acids, and other frameshift and missense variants within the residues lost have been reported downstream in HGMD; Not observed at significant frequency in large population cohorts (gnomAD); This variant is associated with the following publications: (PMID: 23812740, 15489853, 19863551, 29997227, 29606362, 17010805, 24585727, 21606396, 19880068, 18382419, 19358943, 20857253, 20031617, 16893920, 27532257, 30790397, 30764827, 31447099, 32372669, 36396199, 31402444, 32522011, 25825460, 31386562, 34120153, 35819174, 36139162, 31319917, 16549640, 20400443, VouliotisA2015[CaseReport], 19279339, 20152563, 23871674)

Institute of Human Genetics, University of Leipzig Medical Center
Classification: Pathogenic for Arrhythmogenic right ventricular dysplasia 9. Last evaluated: 2026-02-26. Review status: criteria provided, single submitter. Criteria: ACMG Guidelines, 2015. Collection method: clinical testing. Allele origin: unknown. Inheritance: Autosomal dominant inheritance. Affected: yes.
Comment: Criteria applied: PS4,PP1_STR,PVS1_MOD,PM2_SUP

Labcorp Genetics (formerly Invitae), Labcorp
Classification: Pathogenic for Arrhythmogenic right ventricular dysplasia 9. Last evaluated: 2026-01-14. Review status: criteria provided, single submitter. Criteria: Invitae Variant Classification Sherloc (09022015). Collection method: clinical testing. Allele origin: germline.
Comment: This sequence change is expected to alter the c-terminus of the PKP2 protein (p.Ser837Valfs*94). While this is not anticipated to result in nonsense mediated decay, it is expected to disrupt the last 45 amino acid(s) of the PKP2 protein and extend the protein by 48 additional amino acid residues. This variant is not present in population databases (gnomAD no frequency). This frameshift has been observed in individuals with arrhythmogenic right ventricular cardiomyopathy (PMID: 15489853, 16549640, 16893920, 17010805, 19880068, 20031617, 20152563, 21606396, 23871674, 24585727). It has also been observed to segregate with disease in related individuals. ClinVar contains an entry for this variant (Variation ID: 177995). For these reasons, this variant has been classified as Pathogenic.

Dasa
Classification: Pathogenic. Last evaluated: 2025-07-10. Review status: criteria provided, single submitter. Criteria: DASA Assertion Criteria. Collection method: clinical testing. Allele origin: germline.
Comment: NM_001005242.3(PKP2):c.2377del (p.Ser793Valfs*94) introduces a premature termination codon predicted to result in loss of normal protein function. Loss-of-function is an established mechanism of disease for this gene. Segregation evidence has been reported in affected families. This variant has been recurrently observed in individuals with related phenotype (PMID: 15489853; PMID: 16549640; PMID: 16893920; PMID: 17010805; PMID: 19880068). The variant is present at low frequency in population datasets. Based on the available data, this variant is classified as pathogenic.

Victorian Clinical Genetics Services, Murdoch Childrens Research Institute
Classification: Pathogenic for Arrhythmogenic right ventricular dysplasia 9. Last evaluated: 2024-10-10. Review status: criteria provided, single submitter. Criteria: ACMG Guidelines, 2015. Collection method: clinical testing. Allele origin: germline. Affected: yes.
Comment: Based on the classification scheme VCGS_Germline_v1.3.5, this variant is classified as Pathogenic. Following criteria are met: 0102 - Loss of function is a known mechanism of disease in this gene and is associated with arrhythmogenic right ventricular dysplasia 9 (ARVD9; MIM#609040). (I) 0108 - This gene is associated with both recessive and dominant disease. ARVD 9 is predominantly caused by monoallelic variants, with rare reports of biallelic variants associated with more severe and earlier onset disease (OMIM; PMIDs: 30562116, 35059364, 38050058). (I) 0112 - The condition associated with this gene has incomplete penetrance (PMID: 17010805, 23183494). (I) 0115 - Variants in this gene are known to have variable expressivity (PMID: 17010805, 23183494). (I) 0208 - Variant is predicted to result in an elongated protein. (SP) 0252 - This variant is homozygous. (I) 0304 - Variant is present in gnomAD <0.01 (v4: 2 heterozygotes, 0 homozygotes). (SP) 0801 - This variant has strong previous evidence of pathogenicity in unrelated individuals. This variant has been observed in multiple individuals affected with arrhythmogenic cardiomyopathy (PMIDs: 31319917, 25820315). In addition, it has been classified as likely pathogenic and pathogenic by many clinical laboratories (ClinVar). (I) Legend: (SP) - Supporting pathogenic, (I) - Information, (SB) - Supporting benign

Institute of Human Genetics, Heidelberg University
Classification: Likely pathogenic for Arrhythmogenic right ventricular dysplasia 9. Last evaluated: 2024-03-08. Review status: criteria provided, single submitter. Criteria: ACMG Guidelines, 2015. Collection method: clinical testing. Allele origin: germline. Observed: 2 variant alleles.
Comment: secondary finding

Ambry Genetics
Classification: Pathogenic for Cardiovascular phenotype. Last evaluated: 2024-01-09. Review status: criteria provided, single submitter. Criteria: Ambry Variant Classification Scheme 2023. Collection method: clinical testing. Allele origin: germline.
Comment: The c.2509delA pathogenic mutation, located in coding exon 13 of the PKP2 gene, results from a deletion of one nucleotide at position 2509, causing a translational frameshift with a predicted alternate stop codon (p.S837Vfs*94). This alteration occurs at the 3' terminus of thePKP2 gene, is not expected to trigger nonsense-mediated mRNAdecay and results in the elongation of the protein by 48 amino acids. This frameshift impacts the last 45amino acids of the native protein. However, frameshifts are typically deleterious in nature and the impacted region is critical for protein function (Ambry internal data). This variant has been reported in multiple unrelated individuals with confirmed or suspected arrhythmogenic right ventricular cardiomyopathy (ARVC) (Gerull B et al. Nat Genet. 2004;36(11):1162-4; Dalal D et al. Circulation. 2006;113(13):1641-9; Dalal D et al. J Am Coll Cardiol. 2006;48(7):1416-24; Watkins DA et al. Heart Rhythm. 2009;6(11 Suppl):S10-7; Fressart V et al. Europace. 2010;12(6):861-8; Cox MG et al. Circulation. 2011;123(23):2690-700; Baskin B et al. Hum Genet. 2013;132(11):1245-52; Philips B et al. Circ Arrhythm Electrophysiol. 2014;7(2):230-6; Hermida A. Eur. J. Heart Fail. 2019;21(6):792-800). This variant was also reported to co-segregate with disease in a few small families with ARVC (Antoniades L et al. Eur Heart J. 2006;27(18):2208-16; Vouliotis A et al. Hosp Chron. 2015;10(3):166-173; Xu T. J. Am. Coll. Cardiol. 2010;55(6):587-97). This variant is considered to be rare based on population cohorts in the Genome Aggregation Database (gnomAD). Based on the supporting evidence, this alteration is interpreted as a disease-causing mutation.

NM_001005242.3(PKP2):c.2377del (p.Ser793fs)

Gene: PKP2 (plakophilin 2; minus strand). Cytogenetic location: 12p11.21.
Variant type: Deletion.
Coding change: c.2377del on transcript NM_001005242.3 (MANE Select); coding-DNA position 2377, one base deleted (A; older notation c.2377delA).
Protein change: p.Ser793fs; shifts the reading frame from serine 793.
Molecular consequence: frameshift variant.
Genome position (GRCh38, 1-based): chr12:32,792,712, T deleted on the plus strand (A on the coding strand, the reverse complement: PKP2 is on the minus strand); the first of 2 consecutive T bases (chr12:32,792,712-32,792,713); deleting either gives the same sequence. VCF-style (leftmost placement, unchanged base first): chr12-32792711-CT-C. GRCh37 (hg19) VCF-style: chr12-32945645-CT-C.
Other names: c.2509del, p.Ser837fs (NM_004572.4); c.2509delA (NM_004572.3); c.2377del (NM_001005242.2); short protein forms S793fs.
Identifiers: ClinVar variation 177995 (VCV000177995.41), dbSNP rs727504432, ClinGen allele CA012110.